The following is an entry in ClinVar:

ClinVar aggregate classification (germline): Likely pathogenic. Review status: criteria provided, multiple submitters, no conflicts (2 of 4 stars). 2 submissions from 2 submitters: Likely pathogenic (2). Last evaluated 2025-07-15.

Conditions:
SETX-related disorder. Also called: SETX-related disorders; SETX-related condition. Identifiers: MedGen CN239403.

Submissions (2):

PreventionGenetics, part of Exact Sciences
Classification: Likely pathogenic for SETX-related condition. Last evaluated: 2025-07-15. Review status: criteria provided, single submitter. Criteria: ACMG Guidelines, 2015. Collection method: clinical testing. Allele origin: germline.
Comment: The SETX c.6850_6851dupGA variant is predicted to result in a frameshift and premature protein termination (p.Ala2285Lysfs*32). To our knowledge, this variant has not been reported in the literature. This variant is reported in 0.0062% of alleles in individuals of African descent in gnomAD. Frameshift variants in SETX are expected to be pathogenic. This variant is interpreted as likely pathogenic for autosomal recessive SETX-related disorders.

Athena Diagnostics
Classification: Likely pathogenic. Last evaluated: 2020-05-11. Review status: criteria provided, single submitter. Criteria: Athena Diagnostics Criteria. Collection method: clinical testing. Allele origin: unknown.
Comment: The variant results in a shift of the reading frame, and is therefore predicted to result in the loss of a functional protein. The frequency of this variant in the general population is consistent with pathogenicity.

NM_015046.7(SETX):c.6850_6851dup (p.Ala2285fs)

Gene: SETX (senataxin; minus strand). Cytogenetic location: 9q34.13.
Variant type: Duplication.
Coding change: c.6850_6851dup on transcript NM_015046.7 (MANE Select); coding-DNA positions 6850 to 6851, 2 bases duplicated (GA; older notation c.6850_6851dupGA).
Protein change: p.Ala2285fs; shifts the reading frame from alanine 2285.
Molecular consequence: frameshift variant.
Genome position (GRCh38, 1-based): chr9:132,277,144-132,277,145, TC duplicated on the plus strand (GA on the coding strand, the reverse complement: SETX is on the minus strand); duplicating any 2 consecutive bases within chr9:132,277,144-132,277,146 gives the same sequence; the c. name uses the placement nearest the transcript's 3' end. VCF-style (leftmost placement, unchanged base first): chr9-132277143-T-TTC. GRCh37 (hg19) VCF-style: chr9-135152530-T-TTC.
Other names: c.6850_6851dup, p.Ala2285fs (NM_001351527.2, NM_001351528.2); c.6850_6851dupGA (NM_015046.5); short protein forms A2285fs.
Identifiers: ClinVar variation 994956 (VCV000994956.2), dbSNP rs748700245, ClinGen allele CA5296586.